The following is an entry in ClinVar:

NM_006031.6(PCNT):c.1171T>C (p.Leu391=)

Gene: PCNT (pericentrin; plus strand). Cytogenetic location: 21q22.3.
Variant type: single nucleotide variant.
Coding change: c.1171T>C on transcript NM_006031.6 (MANE Select); coding-DNA position 1171, T replaced by C.
Protein change: p.Leu391=; no amino-acid change (leucine 391 retained).
Molecular consequence: synonymous variant.
Genome position (GRCh38, 1-based): chr21:46,349,150, T>C. VCF-style: chr21-46349150-T-C. GRCh37 (hg19) VCF-style: chr21-47769064-T-C.
Other names: c.1171T>C (NM_006031.5); c.817T>C, p.Leu273= (NM_001315529.2).
Identifiers: ClinVar variation 2711766 (VCV002711766.4), dbSNP rs187372555, ClinGen allele CA10078524.

ClinVar aggregate classification (germline): Likely benign. Review status: criteria provided, multiple submitters, no conflicts (2 of 4 stars). 2 submissions from 2 submitters: Likely benign (2). Last evaluated 2025-12-14.

Conditions:
PCNT-related disorder. Also called: PCNT-related condition.

Allele frequency attached by ClinVar (database versions not stated): ExAC 0.00002; gnomAD 0.00002; 1000 Genomes Project 30x 0.00016; 1000 Genomes Project 0.00020.
gnomAD v4.1: 38 of 1,613,712 alleles (0.0024%); highest among the groups gnomAD compares: African/African-American, 0.0053%; 1 homozygote.

Submissions (2):

PreventionGenetics, part of Exact Sciences
Classification: Likely benign for PCNT-related condition. Last evaluated: 2025-12-14. Review status: criteria provided, single submitter. Criteria: ACMG Guidelines, 2015. Collection method: clinical testing. Allele origin: germline.
Comment: This variant is classified as likely benign based on ACMG/AMP sequence variant interpretation guidelines (Richards et al. 2015 PMID: 25741868, with internal and published modifications).

Labcorp Genetics (formerly Invitae), Labcorp
Classification: Likely benign. Last evaluated: 2025-01-11. Review status: criteria provided, single submitter. Criteria: Invitae Variant Classification Sherloc (09022015). Collection method: clinical testing. Allele origin: germline.